The following is an entry in ClinVar:

ClinVar aggregate classification (germline): Uncertain significance (1 of 4 stars; one submission).

Conditions:
Neuronal ceroid lipofuscinosis. Also called: Neuronal Ceroid Lipofuscinoses. Identifiers: Orphanet 216, Orphanet 79263, MedGen C0027877, MONDO:0016295. Disease mechanism: loss of function.

Submission:

Labcorp Genetics (formerly Invitae), Labcorp
Classification: Uncertain significance for Neuronal ceroid lipofuscinosis. Last evaluated: 2022-10-18. Review status: criteria provided, single submitter. Criteria: Invitae Variant Classification Sherloc (09022015). Collection method: clinical testing. Allele origin: germline.
Comment: In summary, the available evidence is currently insufficient to determine the role of this variant in disease. Therefore, it has been classified as a Variant of Uncertain Significance. Algorithms developed to predict the effect of missense changes on protein structure and function are either unavailable or do not agree on the potential impact of this missense change (SIFT: "Tolerated"; PolyPhen-2: "Possibly Damaging"; Align-GVGD: "Class C0"). ClinVar contains an entry for this variant (Variation ID: 409625). This variant has not been reported in the literature in individuals affected with CTSD-related conditions. This variant is not present in population databases (gnomAD no frequency). This sequence change replaces valine, which is neutral and non-polar, with phenylalanine, which is neutral and non-polar, at codon 22 of the CTSD protein (p.Val22Phe).

NM_001909.5(CTSD):c.64G>T (p.Val22Phe)

Gene: CTSD (cathepsin D; minus strand). Cytogenetic location: 11p15.5.
Variant type: single nucleotide variant.
Coding change: c.64G>T on transcript NM_001909.5 (MANE Select); coding-DNA position 64, G replaced by T.
Protein change: p.Val22Phe; replaces valine 22 with phenylalanine.
Molecular consequence: missense variant.
Genome position (GRCh38, 1-based): chr11:1,763,796, C>A on the plus strand (G>T on the coding strand, the complement: CTSD is on the minus strand). VCF-style: chr11-1763796-C-A. GRCh37 (hg19) VCF-style: chr11-1785026-C-A.
Other names: short protein forms V22F.
Identifiers: ClinVar variation 409625 (VCV000409625.7), dbSNP rs1060502503, ClinGen allele CA16613281.
Genomic context (GRCh38, chr11:1,763,796, plus strand): 5'-GGACCTCGGCGCCGCGACCCCTGCCCGTCCCTGAGCCCCGGCCCCTGAGGCTTCACCTGA[C>A]GAGCGCGGAGGCGGGTGCAGCCAGCAGGCAGAGGGCGAGCGGCAGAAGGCTGGAGGGCTG-3'
Protein context (NP_001900.1, residues 12-32): CLLAAPASAL[Val22Phe]RIPLHKFTSI